The following is an entry in ClinVar:

NM_198129.4(LAMA3):c.6805C>G (p.Leu2269Val)

Gene: LAMA3 (laminin subunit alpha 3; plus strand). Cytogenetic location: 18q11.2.
Variant type: single nucleotide variant.
Coding change: c.6805C>G on transcript NM_198129.4 (MANE Select); coding-DNA position 6805, C replaced by G.
Protein change: p.Leu2269Val; replaces leucine 2269 with valine.
Molecular consequence: missense variant.
Genome position (GRCh38, 1-based): chr18:23,907,636, C>G. VCF-style: chr18-23907636-C-G. GRCh37 (hg19) VCF-style: chr18-21487600-C-G.
Other names: c.1978C>G, p.Leu660Val (NM_000227.6); c.6637C>G, p.Leu2213Val (NM_001127717.4); c.1810C>G, p.Leu604Val (NM_001127718.4); short protein forms L2213V, L2269V, L604V, L660V.
Identifiers: ClinVar variation 725305 (VCV000725305.18), dbSNP rs138591939, ClinGen allele CA8916485.
Genomic context (GRCh38, chr18:23,907,636, plus strand): 5'-CAGCAAACCCTGAATATTGTGACAGTTCAGAAAGAAGTGATAGACACCAATCTCACAACT[C>G]TCCGAGATGGTCTTCATGGGATACAGAGAGGTCAGCATCTTCCTAATCCATTGTACTCGG-3'
Protein context (NP_937762.2, residues 2259-2279): KEVIDTNLTT[Leu2269Val]RDGLHGIQRG

ClinVar aggregate classification (germline): Benign/Likely benign. Review status: criteria provided, multiple submitters, no conflicts (2 of 4 stars). 6 submissions from 5 submitters: Benign (2); Likely benign (3). 1 of the submissions does not count toward it. Last evaluated 2026-01-22.

Conditions:
LAMA3-related disorder. Also called: LAMA3-related disorders; LAMA3-related condition.
Inborn genetic diseases. Identifiers: MedGen C0950123, MeSH D030342.
Laryngo-onycho-cutaneous syndrome (JEB2C). Also called: LOGIC SYNDROME; SHABBIR SYNDROME; EPIDERMOLYSIS BULLOSA, JUNCTIONAL 2C, LARYNGOONYCHOCUTANEOUS. Identifiers: Orphanet 2407, MedGen C1328355, MONDO:0009513, OMIM 245660.
Junctional epidermolysis bullosa gravis of Herlitz. Also called: JEB-HERLITZ TYPE; EPIDERMOLYSIS BULLOSA JUNCTIONALIS, HERLITZ TYPE; EPIDERMOLYSIS BULLOSA, JUNCTIONAL, HERLITZ-PEARSON TYPE; Herlitz-type junctional epidermolysis bullosa; EPIDERMOLYSIS BULLOSA, JUNCTIONAL 1B, SEVERE; Epidermolysis Bullosa Letalis. Identifiers: Orphanet 79404, MedGen C0079683, MONDO:0009182, OMIM 226700.

Allele frequency attached by ClinVar (database versions not stated): gnomAD exomes 0.00025 and 0.00072; ExAC 0.00086; 1000 Genomes Project 30x 0.00172; 1000 Genomes Project 0.00200; gnomAD 0.00277 and 0.00303; TOPMed 0.00296; ESP Exome Variant Server 0.00431.
gnomAD v4.1: 795 of 1,613,574 alleles (0.049%); highest among the groups gnomAD compares: African/African-American, 0.99%; 5 homozygotes.

Submissions (6):

Labcorp Genetics (formerly Invitae), Labcorp
Classification: Benign. Last evaluated: 2026-01-22. Review status: criteria provided, single submitter. Criteria: Invitae Variant Classification Sherloc (09022015). Collection method: clinical testing. Allele origin: germline.

Blueprint Genetics
Classification: Likely benign. Last evaluated: 2024-11-13. Review status: criteria provided, single submitter. Criteria: ACMG Guidelines, 2015. Collection method: clinical testing. Allele origin: germline.

Ambry Genetics
Classification: Likely benign for Inborn genetic diseases. Last evaluated: 2021-07-09. Review status: criteria provided, single submitter. Criteria: Ambry Variant Classification Scheme 2023. Collection method: clinical testing. Allele origin: germline.

Illumina Laboratory Services, Illumina
Classification: Benign for Junctional epidermolysis bullosa gravis of Herlitz. Last evaluated: 2018-01-13. Review status: criteria provided, single submitter. Criteria: ICSL Variant Classification Criteria 13 December 2019. Collection method: clinical testing. Allele origin: germline.
Comment: This variant was observed in the ICSL laboratory as part of a predisposition screen in an ostensibly healthy population. It had not been previously curated by ICSL or reported in the Human Gene Mutation Database (HGMD: prior to June 1st, 2018), and was therefore a candidate for classification through an automated scoring system. Utilizing variant allele frequency, disease prevalence and penetrance estimates, and inheritance mode, an automated score was calculated to assess if this variant is too frequent to cause the disease. Based on the score and internal cut-off values, a variant classified as benign is not then subjected to further curation. The score for this variant resulted in a classification of benign for this disease.

Illumina Laboratory Services, Illumina
Classification: Likely benign for Laryngo-onycho-cutaneous syndrome. Last evaluated: 2018-01-13. Review status: criteria provided, single submitter. Criteria: ICSL Variant Classification Criteria 13 December 2019. Collection method: clinical testing. Allele origin: germline.
Comment: This variant was observed in the ICSL laboratory as part of a predisposition screen in an ostensibly healthy population. It had not been previously curated by ICSL or reported in the Human Gene Mutation Database (HGMD: prior to June 1st, 2018), and was therefore a candidate for classification through an automated scoring system. Utilizing variant allele frequency, disease prevalence and penetrance estimates, and inheritance mode, an automated score was calculated to assess if this variant is too frequent to cause the disease. Based on the score and internal cut-off values, a variant classified as likely benign is not then subjected to further curation. The score for this variant resulted in a classification of likely benign for this disease.

PreventionGenetics, part of Exact Sciences
Classification: Benign for LAMA3-related condition. Last evaluated: 2020-05-20. Review status: no assertion criteria provided. Collection method: clinical testing. Allele origin: germline. Not counted in ClinVar's aggregate classification.
Comment: This variant is classified as benign based on ACMG/AMP sequence variant interpretation guidelines (Richards et al. 2015 PMID: 25741868, with internal and published modifications).